The following is an entry in ClinVar:

NM_201384.3(PLEC):c.4593G>T (p.Lys1531Asn)

Gene: PLEC (plectin; minus strand). Cytogenetic location: 8q24.3.
Variant type: single nucleotide variant.
Coding change: c.4593G>T on transcript NM_201384.3 (MANE Select); coding-DNA position 4593, G replaced by T.
Protein change: p.Lys1531Asn; replaces lysine 1531 with asparagine.
Molecular consequence: missense variant.
Genome position (GRCh38, 1-based): chr8:143,925,336, C>A on the plus strand (G>T on the coding strand, the complement: PLEC is on the minus strand). VCF-style: chr8-143925336-C-A. GRCh37 (hg19) VCF-style: chr8-144999504-C-A.
Other names: c.4674G>T, p.Lys1558Asn (NM_000445.5); c.4551G>T, p.Lys1517Asn (NM_201378.4); c.4527G>T, p.Lys1509Asn (NM_201379.3); c.5004G>T, p.Lys1668Asn (NM_201380.4); c.4497G>T, p.Lys1499Asn (NM_201381.3); c.4593G>T, p.Lys1531Asn (NM_201382.4); c.4605G>T, p.Lys1535Asn (NM_201383.3); short protein forms K1517N, K1499N, K1531N, K1535N, K1558N, K1668N, K1509N.
Identifiers: ClinVar variation 1512267 (VCV001512267.8), dbSNP rs1413927119, ClinGen allele CA372554911.

ClinVar aggregate classification (germline): Uncertain significance (1 of 4 stars; one submission).

Conditions:
Autosomal recessive limb-girdle muscular dystrophy type 2Q (LGMDR17). Also called: MUSCULAR DYSTROPHY, LIMB-GIRDLE, AUTOSOMAL RECESSIVE 17. Identifiers: Orphanet 254361, MedGen C3150989, MONDO:0013390, OMIM 613723.
Epidermolysis bullosa simplex, Ogna type (EBS5A). Also called: Pidermolysis bullosa simplex 5A, Ogna type; EPIDERMOLYSIS BULLOSA SIMPLEX 5A, OGNA TYPE. Identifiers: Orphanet 79401, MedGen C0432317, MONDO:0007555, OMIM 131950.
Epidermolysis bullosa simplex 5B, with muscular dystrophy (EBS5B). Also called: EPIDERMOLYSIS BULLOSA SIMPLEX AND LIMB-GIRDLE MUSCULAR DYSTROPHY; Epidermolysis bullosa simplex with muscular dystrophy. Identifiers: Orphanet 257, MedGen C2931072, MONDO:0009181, OMIM 226670.
Epidermolysis bullosa simplex 5C, with pyloric atresia (EBS5C). Also called: Epidermolysis bullosa simplex with pyloric atresia; PLEC-Related Epidermolysis Bullosa with Pyloric Atresia; PLEC1-Related Epidermolysis Bullosa with Pyloric Atresia. Identifiers: Orphanet 158684, MedGen C2677349, MONDO:0012807, OMIM 612138.
Epidermolysis bullosa simplex with nail dystrophy (EBS5D). Identifiers: MedGen C4225309, MONDO:0014661, OMIM 616487.

Allele frequency attached by ClinVar (database versions not stated): gnomAD exomes below 0.00001; gnomAD 0.00001; TOPMed 0.00001.
gnomAD v4.1: 4 of 1,555,630 alleles (0.00026%); highest among the groups gnomAD compares: Non-Finnish European, 0.00026%; no homozygotes.

Submission:

Labcorp Genetics (formerly Invitae), Labcorp
Classification: Uncertain significance for Autosomal recessive limb-girdle muscular dystrophy type 2Q; Epidermolysis bullosa simplex, Ogna type; Epidermolysis bullosa simplex with nail dystrophy; Epidermolysis bullosa simplex 5C, with pyloric atresia; Epidermolysis bullosa simplex 5B, with muscular dystrophy. Last evaluated: 2023-10-03. Review status: criteria provided, single submitter. Criteria: Invitae Variant Classification Sherloc (09022015). Collection method: clinical testing. Allele origin: germline.
Comment: This sequence change replaces lysine, which is basic and polar, with asparagine, which is neutral and polar, at codon 1558 of the PLEC protein (p.Lys1558Asn). This variant is not present in population databases (gnomAD no frequency). This variant has not been reported in the literature in individuals affected with PLEC-related conditions. ClinVar contains an entry for this variant (Variation ID: 1512267). Experimental studies and prediction algorithms are not available or were not evaluated, and the functional significance of this variant is currently unknown. In summary, the available evidence is currently insufficient to determine the role of this variant in disease. Therefore, it has been classified as a Variant of Uncertain Significance.